The following is an entry in ClinVar:

ClinVar aggregate classification (germline): Uncertain significance (1 of 4 stars; one submission).

Conditions:
Agammaglobulinemia 3, autosomal recessive (AGM3). Also called: AGAMMAGLOBULINEMIA 3; AGAMMAGLOBULINEMIA, AUTOSOMAL RECESSIVE, DUE TO CD79A DEFECT. Identifiers: MedGen C3150751, MONDO:0013288, OMIM 613501.

Allele frequency attached by ClinVar (database versions not stated): TOPMed below 0.00001; gnomAD 0.00001; gnomAD exomes 0.00001.
gnomAD v4.1: 9 of 1,611,304 alleles (0.00056%); highest among the groups gnomAD compares: Non-Finnish European, 0.00076%; no homozygotes.

Submission:

Labcorp Genetics (formerly Invitae), Labcorp
Classification: Uncertain significance for Agammaglobulinemia 3, autosomal recessive. Last evaluated: 2022-07-17. Review status: criteria provided, single submitter. Criteria: Invitae Variant Classification Sherloc (09022015). Collection method: clinical testing. Allele origin: germline.
Comment: This sequence change replaces glycine, which is neutral and non-polar, with aspartic acid, which is acidic and polar, at codon 139 of the CD79A protein (p.Gly139Asp). The frequency data for this variant in the population databases is considered unreliable, as metrics indicate poor data quality at this position in the gnomAD database. This variant has not been reported in the literature in individuals affected with CD79A-related conditions. Algorithms developed to predict the effect of missense changes on protein structure and function are either unavailable or do not agree on the potential impact of this missense change (SIFT: "Deleterious"; PolyPhen-2: "Probably Damaging"; Align-GVGD: "Class C0"). In summary, the available evidence is currently insufficient to determine the role of this variant in disease. Therefore, it has been classified as a Variant of Uncertain Significance.

NM_001783.4(CD79A):c.416G>A (p.Gly139Asp)

Genes: CD79A (CD79a molecule; plus strand), RPS19-CD79A (RPS19-CD79A readthrough; plus strand). Cytogenetic location: 19q13.2.
Variant type: single nucleotide variant.
Coding change: c.416G>A on transcript NM_001783.4 (MANE Select); coding-DNA position 416, G replaced by A.
Protein change: p.Gly139Asp; replaces glycine 139 with aspartic acid.
Molecular consequence: missense variant.
Genome position (GRCh38, 1-based): chr19:41,879,571, G>A. VCF-style: chr19-41879571-G-A. GRCh37 (hg19) VCF-style: chr19-42383641-G-A.
Other names: c.302G>A, p.Gly101Asp (NM_021601.4); short protein forms G101D, G139D.
Identifiers: ClinVar variation 1941948 (VCV001941948.2), dbSNP rs1462257912, ClinGen allele CA406036208.